The following is an entry in ClinVar:

NM_017654.4(SAMD9):c.1571T>C (p.Leu524Pro)

Gene: SAMD9 (sterile alpha motif domain containing 9; minus strand). Cytogenetic location: 7q21.2.
Variant type: single nucleotide variant.
Coding change: c.1571T>C on transcript NM_017654.4 (MANE Select); coding-DNA position 1571, T replaced by C.
Protein change: p.Leu524Pro; replaces leucine 524 with proline.
Molecular consequence: missense variant.
Genome position (GRCh38, 1-based): chr7:93,104,527, A>G on the plus strand (T>C on the coding strand, the complement: SAMD9 is on the minus strand). VCF-style: chr7-93104527-A-G. GRCh37 (hg19) VCF-style: chr7-92733840-A-G.
Other names: c.1571T>C, p.Leu524Pro (NM_001193307.2); short protein forms L524P.
Identifiers: ClinVar variation 3791998 (VCV003791998.1).

ClinVar aggregate classification (germline): Uncertain significance (1 of 4 stars; one submission).

Conditions:
Inborn genetic diseases. Identifiers: MedGen C0950123, MeSH D030342.

gnomAD v4.1: 7 of 1,614,058 alleles (0.00043%); highest among the groups gnomAD compares: Non-Finnish European, 0.00051%; no homozygotes.

Submission:

Ambry Genetics
Classification: Uncertain significance for Inborn genetic diseases. Last evaluated: 2025-01-13. Review status: criteria provided, single submitter. Criteria: Ambry Variant Classification Scheme 2023. Collection method: clinical testing. Allele origin: germline.
Comment: The p.L524P variant (also known as c.1571T>C), located in coding exon 1 of the SAMD9 gene, results from a T to C substitution at nucleotide position 1571. The leucine at codon 524 is replaced by proline, an amino acid with similar properties. This amino acid position is conserved. In addition, the in silico prediction for this alteration is inconclusive. Based on the available evidence, the clinical significance of this variant remains unclear.